The following is an entry in ClinVar:

ClinVar aggregate classification (germline): Uncertain significance (1 of 4 stars; one submission).

Conditions:
Inborn genetic diseases. Identifiers: MedGen C0950123, MeSH D030342.

Allele frequency attached by ClinVar (database versions not stated): gnomAD exomes below 0.00001.
gnomAD v4.1: 2 of 1,613,406 alleles (0.00012%); highest among the groups gnomAD compares: Admixed American, 0.0017%; no homozygotes.

Submission:

Ambry Genetics
Classification: Uncertain significance for Inborn genetic diseases. Last evaluated: 2021-10-29. Review status: criteria provided, single submitter. Criteria: Ambry Variant Classification Scheme 2023. Collection method: clinical testing. Allele origin: germline.
Comment: The p.L1203M variant (also known as c.3607C>A), located in coding exon 19 of the ATR gene, results from a C to A substitution at nucleotide position 3607. The leucine at codon 1203 is replaced by methionine, an amino acid with highly similar properties. This amino acid position is conserved. In addition, this alteration is predicted to be tolerated by in silico analysis. Since supporting evidence is limited at this time, the clinical significance of this alteration remains unclear.

NM_001184.4(ATR):c.3607C>A (p.Leu1203Met)

Gene: ATR (ATR checkpoint kinase; minus strand). Cytogenetic location: 3q23.
Variant type: single nucleotide variant.
Coding change: c.3607C>A on transcript NM_001184.4 (MANE Select); coding-DNA position 3607, C replaced by A.
Protein change: p.Leu1203Met; replaces leucine 1203 with methionine.
Molecular consequence: missense variant.
Genome position (GRCh38, 1-based): chr3:142,538,600, G>T on the plus strand (C>A on the coding strand, the complement: ATR is on the minus strand). VCF-style: chr3-142538600-G-T. GRCh37 (hg19) VCF-style: chr3-142257442-G-T.
Other names: c.3415C>A, p.Leu1139Met (NM_001354579.2); short protein forms L1139M, L1203M.
Identifiers: ClinVar variation 1733165 (VCV001733165.2), dbSNP rs1251161025, ClinGen allele CA354807613.